The following is an entry in ClinVar:

ClinVar aggregate classification (germline): Uncertain significance. Review status: criteria provided, multiple submitters, no conflicts (2 of 4 stars). 2 submissions from 2 submitters: Uncertain significance (2). Last evaluated 2022-07-01.

Conditions:
Cardiovascular phenotype. Identifiers: MedGen CN230736.
Dilated cardiomyopathy 1JJ (CMD1JJ). Identifiers: Orphanet 154, MedGen C3808935, MONDO:0014095, OMIM 615235.

Allele frequency attached by ClinVar (database versions not stated): gnomAD exomes below 0.00001; TOPMed below 0.00001; ExAC 0.00001; gnomAD 0.00001.
gnomAD v4.1: 17 of 1,613,946 alleles (0.0011%); highest among the groups gnomAD compares: Non-Finnish European, 0.0014%; no homozygotes.

Submissions (2):

Labcorp Genetics (formerly Invitae), Labcorp
Classification: Uncertain significance for Dilated cardiomyopathy 1JJ. Last evaluated: 2022-07-01. Review status: criteria provided, single submitter. Criteria: Invitae Variant Classification Sherloc (09022015). Collection method: clinical testing. Allele origin: germline.
Comment: This sequence change replaces asparagine, which is neutral and polar, with serine, which is neutral and polar, at codon 1527 of the LAMA4 protein (p.Asn1527Ser). This variant is present in population databases (rs782057429, gnomAD 0.0009%). In summary, the available evidence is currently insufficient to determine the role of this variant in disease. Therefore, it has been classified as a Variant of Uncertain Significance. Algorithms developed to predict the effect of sequence changes on RNA splicing suggest that this variant may create or strengthen a splice site. Algorithms developed to predict the effect of missense changes on protein structure and function are either unavailable or do not agree on the potential impact of this missense change (SIFT: "Deleterious"; PolyPhen-2: "Probably Damaging"; Align-GVGD: "Class C0"). ClinVar contains an entry for this variant (Variation ID: 474180). This variant has not been reported in the literature in individuals affected with LAMA4-related conditions.

Ambry Genetics
Classification: Uncertain significance for Cardiovascular phenotype. Last evaluated: 2018-12-27. Review status: criteria provided, single submitter. Criteria: Ambry Variant Classification Scheme 2023. Collection method: clinical testing. Allele origin: germline.
Comment: The p.N1527S variant (also known as c.4580A>G), located in coding exon 32 of the LAMA4 gene, results from an A to G substitution at nucleotide position 4580. The asparagine at codon 1527 is replaced by serine, an amino acid with highly similar properties. This amino acid position is highly conserved in available vertebrate species; however, serine is the reference amino acid in other vertebrate species. In addition, this alteration is predicted to be tolerated by in silico analysis. Since supporting evidence is limited at this time, the clinical significance of this alteration remains unclear.

NM_001105206.3(LAMA4):c.4601A>G (p.Asn1534Ser)

Gene: LAMA4 (laminin subunit alpha 4; minus strand). Cytogenetic location: 6q21.
Variant type: single nucleotide variant.
Coding change: c.4601A>G on transcript NM_001105206.3 (MANE Select); coding-DNA position 4601, A replaced by G.
Protein change: p.Asn1534Ser; replaces asparagine 1534 with serine.
Molecular consequence: missense variant.
Genome position (GRCh38, 1-based): chr6:112,120,347, T>C on the plus strand (A>G on the coding strand, the complement: LAMA4 is on the minus strand). VCF-style: chr6-112120347-T-C. GRCh37 (hg19) VCF-style: chr6-112441550-T-C.
Other names: c.4580A>G, p.Asn1527Ser (NM_001105207.3, NM_002290.5); short protein forms N1527S, N1534S.
Identifiers: ClinVar variation 474180 (VCV000474180.10), dbSNP rs782057429, ClinGen allele CA3964951.